The following is an entry in ClinVar:

NM_001983.4(ERCC1):c.306T>C (p.Ile102=)

Gene: ERCC1 (ERCC excision repair 1, endonuclease non-catalytic subunit; minus strand). Cytogenetic location: 19q13.32.
Variant type: single nucleotide variant.
Coding change: c.306T>C on transcript NM_001983.4 (MANE Select); coding-DNA position 306, T replaced by C.
Protein change: p.Ile102=; no amino-acid change (isoleucine 102 retained).
Molecular consequence: synonymous variant.
Genome position (GRCh38, 1-based): chr19:45,421,193, A>G on the plus strand (T>C on the coding strand, the complement: ERCC1 is on the minus strand). VCF-style: chr19-45421193-A-G. GRCh37 (hg19) VCF-style: chr19-45924451-A-G.
Other names: c.306T>C, p.Ile102= (NM_001166049.2, NM_001369408.1, NM_001369409.1 and 11 more transcripts).
Identifiers: ClinVar variation 1930894 (VCV001930894.13), dbSNP rs781333076, ClinGen allele CA9515506.
Genomic context (GRCh38, chr19:45,421,193, plus strand): 5'-CCCACTGAAAACCTCAAGGCCTCACTTCTCCGTCTCCCTCCTCACCTGCCGAGGGCTCAC[A>G]ATGATGCTGTTGGATTTTGCCCCGGGTTTCAGGGCCTGGTTGGGCGTCTCTCCTGCCAGG-3'
Protein context (NP_001974.1, residues 92-112): LKPGAKSNSI[Ile102=]VSPRQRGNPV

ClinVar aggregate classification (germline): Likely benign. Review status: criteria provided, multiple submitters, no conflicts (2 of 4 stars). 2 submissions from 2 submitters: Likely benign (2). Last evaluated 2025-06-01.

Allele frequency attached by ClinVar (database versions not stated): ExAC 0.00001; gnomAD 0.00001; gnomAD exomes 0.00001; TOPMed 0.00002.
gnomAD v4.1: 15 of 1,614,008 alleles (0.00093%); highest among the groups gnomAD compares: African/African-American, 0.0027%; no homozygotes.

Submissions (2):

CeGaT Center for Human Genetics Tuebingen
Classification: Likely benign. Last evaluated: 2025-06-01. Review status: criteria provided, single submitter. Criteria: CeGaT Center For Human Genetics Tuebingen Variant Classification Criteria Version 2. Collection method: clinical testing. Allele origin: germline. Affected: yes. Observed: 1 variant allele.
Comment: ERCC1: BP4, BP7

Labcorp Genetics (formerly Invitae), Labcorp
Classification: Likely benign. Last evaluated: 2023-05-08. Review status: criteria provided, single submitter. Criteria: Invitae Variant Classification Sherloc (09022015). Collection method: clinical testing. Allele origin: germline.